The following is an entry in ClinVar:

ClinVar aggregate classification (germline): Uncertain significance. Review status: criteria provided, multiple submitters, no conflicts (2 of 4 stars). 2 submissions from 2 submitters: Uncertain significance (2). Last evaluated 2024-11-25.

gnomAD v4.1: 118 of 1,613,042 alleles (0.0073%); highest among the groups gnomAD compares: South Asian, 0.092%; no homozygotes.

Submissions (2):

Blueprint Genetics
Classification: Uncertain significance. Last evaluated: 2024-11-25. Review status: criteria provided, single submitter. Criteria: ACMG Guidelines, 2015. Collection method: clinical testing. Allele origin: germline.

Labcorp Genetics (formerly Invitae), Labcorp
Classification: Uncertain significance. Last evaluated: 2023-05-23. Review status: criteria provided, single submitter. Criteria: Invitae Variant Classification Sherloc (09022015). Collection method: clinical testing. Allele origin: germline.
Comment: This sequence change replaces arginine, which is basic and polar, with glutamine, which is neutral and polar, at codon 455 of the PYROXD1 protein (p.Arg455Gln). In summary, the available evidence is currently insufficient to determine the role of this variant in disease. Therefore, it has been classified as a Variant of Uncertain Significance. Advanced modeling of protein sequence and biophysical properties (such as structural, functional, and spatial information, amino acid conservation, physicochemical variation, residue mobility, and thermodynamic stability) performed at Invitae indicates that this missense variant is expected to disrupt PYROXD1 protein function. ClinVar contains an entry for this variant (Variation ID: 2184169). This variant has not been reported in the literature in individuals affected with PYROXD1-related conditions. This variant is present in population databases (rs752999723, gnomAD 0.1%).

NM_024854.5(PYROXD1):c.1364G>A (p.Arg455Gln)

Gene: PYROXD1 (pyridine nucleotide-disulphide oxidoreductase domain 1; plus strand). Cytogenetic location: 12p12.1.
Variant type: single nucleotide variant.
Coding change: c.1364G>A on transcript NM_024854.5 (MANE Select); coding-DNA position 1364, G replaced by A.
Protein change: p.Arg455Gln; replaces arginine 455 with glutamine.
Molecular consequence: missense variant.
Genome position (GRCh38, 1-based): chr12:21,468,615, G>A. VCF-style: chr12-21468615-G-A. GRCh37 (hg19) VCF-style: chr12-21621549-G-A.
Other names: c.1151G>A, p.Arg384Gln (NM_001350912.2); c.587G>A, p.Arg196Gln (NM_001350913.2); short protein forms R384Q, R455Q, R196Q.
Identifiers: ClinVar variation 2184169 (VCV002184169.4), dbSNP rs752999723, ClinGen allele CA6478544.